The following is an entry in ClinVar:

ClinVar aggregate classification (germline): Uncertain significance (1 of 4 stars; one submission).

Submission:

GeneDx
Classification: Uncertain significance. Last evaluated: 2025-07-12. Review status: criteria provided, single submitter. Criteria: GeneDx Variant Classification Process June 2021. Collection method: clinical testing. Allele origin: germline. Affected: yes.
Comment: Not observed at significant frequency in large population cohorts (gnomAD); In silico analysis supports that this missense variant has a deleterious effect on protein structure/function; Has not been previously published as pathogenic or benign to our knowledge

NM_002235.5(KCNA6):c.1336G>A (p.Gly446Arg)

Genes: KCNA6 (potassium voltage-gated channel subfamily A member 6; plus strand), KCNA6-AS1 (KCNA6 antisense RNA 1; minus strand). Cytogenetic location: 12p13.32.
Variant type: single nucleotide variant.
Coding change: c.1336G>A on transcript NM_002235.5 (MANE Select); coding-DNA position 1336, G replaced by A.
Protein change: p.Gly446Arg; replaces glycine 446 with arginine.
Molecular consequence: missense variant. On other transcripts: non-coding transcript variant (3).
Genome position (GRCh38, 1-based): chr12:4,811,377, G>A. VCF-style: chr12-4811377-G-A. GRCh37 (hg19) VCF-style: chr12-4920543-G-A.
Other names: short protein forms G446R.
Identifiers: ClinVar variation 4686371 (VCV004686371.1).